The following is an entry in ClinVar:

NM_000245.4(MET):c.1966-3C>T

Gene: MET (MET proto-oncogene, receptor tyrosine kinase; plus strand). Cytogenetic location: 7q31.2.
Variant type: single nucleotide variant.
Coding change: c.1966-3C>T on transcript NM_000245.4 (MANE Select); 3 bases into the intron before coding-DNA position 1966, C replaced by T.
Molecular consequence: intron variant.
Genome position (GRCh38, 1-based): chr7:116,757,635, C>T. VCF-style: chr7-116757635-C-T. GRCh37 (hg19) VCF-style: chr7-116397689-C-T.
Other names: c.1966-3C>T (NM_001127500.3, NM_001324401.3); c.676-3C>T (NM_001324402.2).
Identifiers: ClinVar variation 2198066 (VCV002198066.4), dbSNP rs1490997489, ClinGen allele CA577680634.

ClinVar aggregate classification (germline): Uncertain significance (1 of 4 stars; one submission).

Conditions:
Renal cell carcinoma. Identifiers: Orphanet 217071, MedGen C0007134, MeSH D002292, MONDO:0005086, HP:0005584.

Allele frequency attached by ClinVar (database versions not stated): gnomAD exomes below 0.00001; gnomAD 0.00001.
gnomAD v4.1: 3 of 1,613,812 alleles (0.00019%); highest among the groups gnomAD compares: South Asian, 0.0011%; no homozygotes.

Submission:

Labcorp Genetics (formerly Invitae), Labcorp
Classification: Uncertain significance for Renal cell carcinoma. Last evaluated: 2024-08-19. Review status: criteria provided, single submitter. Criteria: Invitae Variant Classification Sherloc (09022015). Collection method: clinical testing. Allele origin: germline.
Comment: This sequence change falls in intron 7 of the MET gene. It does not directly change the encoded amino acid sequence of the MET protein. It affects a nucleotide within the consensus splice site. This variant is present in population databases (no rsID available, gnomAD 0.003%). This variant has not been reported in the literature in individuals affected with MET-related conditions. ClinVar contains an entry for this variant (Variation ID: 2198066). Variants that disrupt the consensus splice site are a relatively common cause of aberrant splicing (PMID: 17576681, 9536098). Algorithms developed to predict the effect of sequence changes on RNA splicing suggest that this variant is not likely to affect RNA splicing. In summary, the available evidence is currently insufficient to determine the role of this variant in disease. Therefore, it has been classified as a Variant of Uncertain Significance.

Literature cited by the submitters: PubMed 17576681; PubMed 9536098.